The following is an entry in ClinVar:

ClinVar aggregate classification (germline): Uncertain significance. Review status: criteria provided, multiple submitters, no conflicts (2 of 4 stars). 4 submissions from 4 submitters: Uncertain significance (4). Last evaluated 2025-10-30.

Conditions:
Familial cancer of breast. Also called: BREAST CANCER, FAMILIAL; hereditary breast carcinoma; Hereditary breast cancer. Identifiers: Orphanet 227535, MedGen C0346153, MONDO:0016419, OMIM 114480. Disease mechanism: loss of function.
Hereditary cancer-predisposing syndrome. Also called: Neoplastic Syndromes, Hereditary; Hereditary Cancer Syndrome; Hereditary neoplastic syndrome; Tumor predisposition. Identifiers: Orphanet 140162, MedGen C0027672, MeSH D009386, MONDO:0015356.

Allele frequency attached by ClinVar (database versions not stated): gnomAD exomes below 0.00001 and 0.00001.
gnomAD v4.1: 7 of 1,614,116 alleles (0.00043%); highest among the groups gnomAD compares: Non-Finnish European, 0.00059%; no homozygotes.

Submissions (4):

Ambry Genetics
Classification: Uncertain significance for Hereditary cancer-predisposing syndrome. Last evaluated: 2025-10-30. Review status: criteria provided, single submitter. Criteria: Ambry Variant Classification Scheme 2023. Collection method: clinical testing. Allele origin: germline.
Comment: The p.L328F variant (also known as c.982C>T), located in coding exon 4 of the BARD1 gene, results from a C to T substitution at nucleotide position 982. The leucine at codon 328 is replaced by phenylalanine, an amino acid with highly similar properties. This amino acid position is poorly conserved in available vertebrate species. In addition, this alteration is predicted to be tolerated by in silico analysis. Since supporting evidence is limited at this time, the clinical significance of this alteration remains unclear.

Labcorp Genetics (formerly Invitae), Labcorp
Classification: Uncertain significance for Familial cancer of breast. Last evaluated: 2024-01-20. Review status: criteria provided, single submitter. Criteria: Invitae Variant Classification Sherloc (09022015). Collection method: clinical testing. Allele origin: germline.
Comment: This sequence change replaces leucine, which is neutral and non-polar, with phenylalanine, which is neutral and non-polar, at codon 328 of the BARD1 protein (p.Leu328Phe). This variant is present in population databases (no rsID available, gnomAD 0.0009%). This variant has not been reported in the literature in individuals affected with BARD1-related conditions. ClinVar contains an entry for this variant (Variation ID: 479114). An algorithm developed to predict the effect of missense changes on protein structure and function (PolyPhen-2) suggests that this variant is likely to be tolerated. In summary, the available evidence is currently insufficient to determine the role of this variant in disease. Therefore, it has been classified as a Variant of Uncertain Significance.

GeneDx
Classification: Uncertain significance. Last evaluated: 2020-11-23. Review status: criteria provided, single submitter. Criteria: GeneDx Variant Classification Process June 2021. Collection method: clinical testing. Allele origin: germline. Affected: yes.
Comment: Not observed at a significant frequency in large population cohorts (Lek et al., 2016); In silico analysis supports that this missense variant does not alter protein structure/function; Has not been previously published as pathogenic or benign to our knowledge

Color Diagnostics, LLC DBA Color Health
Classification: Uncertain significance for Hereditary cancer-predisposing syndrome. Last evaluated: 2020-03-06. Review status: criteria provided, single submitter. Criteria: ACMG Guidelines, 2015. Collection method: clinical testing. Allele origin: germline.
Comment: This missense variant replaces leucine with phenylalanine at codon 328 of the BARD1 protein. Computational prediction suggests that this variant may not impact protein structure and function (internally defined REVEL score threshold <= 0.5, PMID: 27666373). Splice site prediction tools suggest that this variant may not impact RNA splicing. To our knowledge, functional studies have not been reported for this variant. This variant has not been reported in individuals affected with hereditary cancer in the literature. This variant has been identified in 1/251032 chromosomes in the general population by the Genome Aggregation Database (gnomAD). The available evidence is insufficient to determine the role of this variant in disease conclusively. Therefore, this variant is classified as a Variant of Uncertain Significance.

NM_000465.4(BARD1):c.982C>T (p.Leu328Phe)

Gene: BARD1 (BRCA1 associated RING domain 1; minus strand). Cytogenetic location: 2q35.
Variant type: single nucleotide variant.
Coding change: c.982C>T on transcript NM_000465.4 (MANE Select); coding-DNA position 982, C replaced by T.
Protein change: p.Leu328Phe; replaces leucine 328 with phenylalanine.
Molecular consequence: missense variant. On other transcripts: intron variant (3), non-coding transcript variant (2).
Genome position (GRCh38, 1-based): chr2:214,780,892, G>A on the plus strand (C>T on the coding strand, the complement: BARD1 is on the minus strand). VCF-style: chr2-214780892-G-A. GRCh37 (hg19) VCF-style: chr2-215645616-G-A.
Other names: c.159-28337C>T (NM_001282548.2); c.215+16169C>T (NM_001282545.2); c.364+11405C>T (NM_001282549.2); c.925C>T, p.Leu309Phe (NM_001282543.2); short protein forms L328F, L309F.
Identifiers: ClinVar variation 479114 (VCV000479114.23), dbSNP rs1378818781, ClinGen allele CA350454555.